The following is an entry in ClinVar:

ClinVar aggregate classification (germline): Pathogenic (1 of 4 stars; one submission).

Submission:

Labcorp Genetics (formerly Invitae), Labcorp
Classification: Pathogenic. Last evaluated: 2022-04-13. Review status: criteria provided, single submitter. Criteria: Invitae Variant Classification Sherloc (09022015). Collection method: clinical testing. Allele origin: germline.
Comment: This variant results in the deletion of exon(s) 1-7 and part of exon 8 (c.-6785_765delinsTACTAAACTC) of the PRPF31 gene. It is expected to result in an absent or disrupted protein product. Loss-of-function variants in PRPF31 are known to be pathogenic (PMID: 18317597, 23950152). This variant has not been reported in the literature in individuals affected with PRPF31-related conditions. For these reasons, this variant has been classified as Pathogenic.

Literature cited by the submitters: PubMed 18317597; PubMed 23950152.

NC_000019.9:g.(?_54612401)_(54627945_?)del

Genes: PRPF31 (pre-mRNA processing factor 31; plus strand), TFPT (TCF3 fusion partner; minus strand). Cytogenetic location: 19q13.42.
Variant type: Deletion.
Identifiers: ClinVar variation 1460444 (VCV001460444.8).